The following is an entry in ClinVar:

NM_001018115.3(FANCD2):c.3803G>A (p.Trp1268Ter)

Genes: FANCD2 (FA complementation group D2; plus strand), FANCD2OS (FANCD2 opposite strand; minus strand). Cytogenetic location: 3p25.3.
Variant type: single nucleotide variant.
Coding change: c.3803G>A on transcript NM_001018115.3 (MANE Select); coding-DNA position 3803, G replaced by A.
Protein change: p.Trp1268Ter; replaces tryptophan 1268 with a stop codon.
Molecular consequence: nonsense. On other transcripts: intron variant (1).
Genome position (GRCh38, 1-based): chr3:10,092,206, G>A. VCF-style: chr3-10092206-G-A. GRCh37 (hg19) VCF-style: chr3-10133890-G-A.
Other names: c.3803G>A (NM_033084.4, NM_001018115.2); c.3803G>A, p.Trp1268Ter (NM_001319984.2, NM_001374254.1, NM_033084.6); c.3692G>A, p.Trp1231Ter (NM_001374253.1); c.*44-10675C>T (NM_173472.2); short protein forms W1231*, W1268*.
Identifiers: ClinVar variation 929670 (VCV000929670.10), dbSNP rs757499508, ClinGen allele CA2250524.

ClinVar aggregate classification (germline): Pathogenic. Review status: criteria provided, multiple submitters, no conflicts (2 of 4 stars). 6 submissions from 6 submitters: Pathogenic (5). 1 of the submissions does not count toward it. Last evaluated 2026-03-05.

Conditions:
FANCD2-related disorder. Also called: FANCD2-related condition.
Fanconi anemia (FA). Also called: Fanconi's anemia. Identifiers: Orphanet 84, MedGen C0015625, MeSH D005199, MONDO:0019391.
Fanconi anemia complementation group D2. Also called: FANCD2-Related Fanconi Anemia; FANCONI PANCYTOPENIA, TYPE 4; FANCONI ANEMIA, COMPLEMENTATION GROUP D. Identifiers: Orphanet 84, MedGen C3160738, MONDO:0009214, OMIM 227646.

Allele frequency attached by ClinVar (database versions not stated): gnomAD exomes below 0.00001 and 0.00001; TOPMed 0.00002; ExAC 0.00001.
gnomAD v4.1: 19 of 1,614,010 alleles (0.0012%); highest among the groups gnomAD compares: Non-Finnish European, 0.0014%; no homozygotes.

Submissions (6):

PreventionGenetics, part of Exact Sciences
Classification: Pathogenic for FANCD2-related condition. Last evaluated: 2026-03-05. Review status: criteria provided, single submitter. Criteria: ACMG Guidelines, 2015. Collection method: clinical testing. Allele origin: germline.
Comment: The FANCD2 c.3803G>A variant is predicted to result in premature protein termination (p.Trp1268*). This variant has been reported in the compound heterozygous state in at least one individual with Fanconi anemia (Kalb et al. 2007. PubMed ID: 17436244). This variant is reported in 0.00088% of alleles in individuals of European (Non-Finnish) descent in gnomAD. Nonsense variants in FANCD2 are expected to be pathogenic. This variant is interpreted as pathogenic.

Labcorp Genetics (formerly Invitae), Labcorp
Classification: Pathogenic for Fanconi anemia. Last evaluated: 2025-10-23. Review status: criteria provided, single submitter. Criteria: Invitae Variant Classification Sherloc (09022015). Collection method: clinical testing. Allele origin: germline.
Comment: This sequence change creates a premature translational stop signal (p.Trp1268*) in the FANCD2 gene. It is expected to result in an absent or disrupted protein product. Loss-of-function variants in FANCD2 are known to be pathogenic (PMID: 17436244). This variant is present in population databases (rs757499508, gnomAD 0.0009%). This premature translational stop signal has been observed in individuals with Fanconi anemia (PMID: 17436244). ClinVar contains an entry for this variant (Variation ID: 929670). Algorithms developed to predict the effect of sequence changes on RNA splicing suggest that this variant may disrupt the consensus splice site. For these reasons, this variant has been classified as Pathogenic.

Fulgent Genetics
Classification: Pathogenic for Fanconi anemia complementation group D2. Last evaluated: 2024-06-04. Review status: criteria provided, single submitter. Criteria: ACMG Guidelines, 2015. Collection method: clinical testing. Allele origin: germline.

Baylor Genetics
Classification: Pathogenic for Fanconi anemia complementation group D2. Last evaluated: 2024-01-17. Review status: criteria provided, single submitter. Criteria: ACMG Guidelines, 2015. Collection method: clinical testing. Allele origin: unknown.

Sema4
Classification: Pathogenic for Fanconi anemia. Last evaluated: 2022-01-06. Review status: criteria provided, single submitter. Criteria: Sema4 Curation Guidelines. Collection method: curation. Allele origin: germline.
Comment: The FANCD2 c.3803G>A p.W1268X variant has been reported as compound heterozygous with a second pathogenic variant in at least 2 individuals with Fanconi anemia (PMID: 17436244). This nonsense variant creates a premature stop codon at residue 1268 of the FANCD2 protein. At this location, this variant is predicted to cause loss of normal protein function either through protein truncation or nonsense-mediated mRNA decay. It was observed in 1/113704 chromosomes of the European (non-Finnish) subpopulation in the large and broad cohorts of the Genome Aggregation Database (PMID: 32461654). This variant has been reported in ClinVar (Variation ID 929670). Based on the current evidence available, this variant is interpreted as pathogenic.

Leiden Open Variation Database
Classification: Pathogenic for Fanconi anemia complementation group D2. Last evaluated: 2020-02-28. Review status: no assertion criteria provided. Collection method: curation. Allele origin: germline. Affected: yes. Not counted in ClinVar's aggregate classification.
Comment: Curator: Arleen D. Auerbach. Submitter to LOVD: Arleen D. Auerbach.

Literature cited by the submitters: PubMed 17436244 (cited by 3 submitters).